The following is an entry in ClinVar:

ClinVar aggregate classification (germline): Uncertain significance (1 of 4 stars; one submission).

Conditions:
POLD1-related polyposis and colorectal cancer syndrome (CRCS10). Also called: Colorectal cancer 10; COLORECTAL CANCER, SUSCEPTIBILITY TO, ON CHROMOSOME 19q; Colorectal cancer, susceptibility to, 10. Identifiers: Orphanet 220460, MedGen C2675481, MONDO:0012953, OMIM 612591.

Submission:

Labcorp Genetics (formerly Invitae), Labcorp
Classification: Uncertain significance for POLD1-related polyposis and colorectal cancer syndrome. Last evaluated: 2023-08-17. Review status: criteria provided, single submitter. Criteria: Invitae Variant Classification Sherloc (09022015). Collection method: clinical testing. Allele origin: germline.
Comment: This variant has not been reported in the literature in individuals affected with POLD1-related conditions. ClinVar contains an entry for this variant (Variation ID: 1422081). Advanced modeling of protein sequence and biophysical properties (such as structural, functional, and spatial information, amino acid conservation, physicochemical variation, residue mobility, and thermodynamic stability) performed at Invitae indicates that this missense variant is not expected to disrupt POLD1 protein function. In summary, the available evidence is currently insufficient to determine the role of this variant in disease. Therefore, it has been classified as a Variant of Uncertain Significance. This sequence change replaces glycine, which is neutral and non-polar, with glutamic acid, which is acidic and polar, at codon 134 of the POLD1 protein (p.Gly134Glu). This variant is not present in population databases (gnomAD no frequency).

NM_002691.4(POLD1):c.401G>A (p.Gly134Glu)

Gene: POLD1 (DNA polymerase delta 1, catalytic subunit; plus strand). Cytogenetic location: 19q13.33.
Variant type: single nucleotide variant.
Coding change: c.401G>A on transcript NM_002691.4 (MANE Select); coding-DNA position 401, G replaced by A.
Protein change: p.Gly134Glu; replaces glycine 134 with glutamic acid.
Molecular consequence: missense variant. On other transcripts: non-coding transcript variant (1).
Genome position (GRCh38, 1-based): chr19:50,401,862, G>A. VCF-style: chr19-50401862-G-A. GRCh37 (hg19) VCF-style: chr19-50905119-G-A.
Other names: c.401G>A, p.Gly134Glu (NM_001256849.1, NM_001308632.1); short protein forms G134E.
Identifiers: ClinVar variation 1422081 (VCV001422081.8), dbSNP rs2122233717, ClinGen allele CA406972469.
Genomic context (GRCh38, chr19:50,401,862, plus strand): 5'-GGCCCCCACCATCCCGCGGCTCCGTGCCTGTGCTCCGCGCCTTCGGGGTCACCGATGAGG[G>A]GTTCTCTGTCTGCTGCCACATCCACGGCTTCGCTCCCTACTTCTACACCCCAGCGCCCCC-3'
Protein context (NP_002682.2, residues 124-144): VLRAFGVTDE[Gly134Glu]FSVCCHIHGF